The following is an entry in ClinVar:

ClinVar aggregate classification (germline): Uncertain significance (1 of 4 stars; one submission).

Conditions:
Hyperinsulinemic hypoglycemia, familial, 1 (HHF1). Also called: Persistent hyperinsulinemic hypoglycemia of infancy; HYPERINSULINISM, FAMILIAL, WITH PANCREATIC NESIDIOBLASTOSIS; HYPOGLYCEMIA, HYPERINSULINEMIC, OF INFANCY; NESIDIOBLASTOSIS OF PANCREAS; Persistent Hyperinsulinemia Hypoglycemia of Infancy. Identifiers: Orphanet 276575, Orphanet 276598, MedGen C2931832, MONDO:0009734, OMIM 256450.

gnomAD v4.1: 13 of 1,614,160 alleles (0.00081%); highest among the groups gnomAD compares: Middle Eastern, 0.049%; no homozygotes.

Submission:

Myriad Genetics, Inc.
Classification: Uncertain significance for Hyperinsulinemic hypoglycemia, familial, 1. Last evaluated: 2026-02-27. Review status: criteria provided, single submitter. Criteria: Myriad Autosomal Dominant, Autosomal Recessive and X-Linked Classification Criteria (2023). Collection method: clinical testing. Allele origin: unknown.
Comment: NM_000352.3(ABCC8):c.2642G>A(R881K) is a missense variant classified as a variant of uncertain significance in the context of familial hyperinsulinism, ABCC8-related. R881K has not been observed in cases with relevant disease. Relevant functional assessments of this variant are not available in the literature. R881K has been observed in referenced population frequency databases. In summary, there is insufficient evidence to classify NM_000352.3(ABCC8):c.2642G>A(R881K) as pathogenic or benign. Please note: this variant was assessed in the context of healthy population screening.

NM_000352.6(ABCC8):c.2642G>A (p.Arg881Lys)

Gene: ABCC8 (ATP binding cassette subfamily C member 8; minus strand). Cytogenetic location: 11p15.1.
Variant type: single nucleotide variant.
Coding change: c.2642G>A on transcript NM_000352.6 (MANE Select); coding-DNA position 2642, G replaced by A.
Protein change: p.Arg881Lys; replaces arginine 881 with lysine.
Molecular consequence: missense variant. On other transcripts: non-coding transcript variant (1).
Genome position (GRCh38, 1-based): chr11:17,410,568, C>T on the plus strand (G>A on the coding strand, the complement: ABCC8 is on the minus strand). VCF-style: chr11-17410568-C-T. GRCh37 (hg19) VCF-style: chr11-17432115-C-T.
Other names: c.2645G>A, p.Arg882Lys (NM_001287174.3); c.2708G>A, p.Arg903Lys (NM_001351295.2); c.2642G>A, p.Arg881Lys (NM_001351296.2); c.2639G>A, p.Arg880Lys (NM_001351297.2); short protein forms R903K, R880K, R881K, R882K.
Identifiers: ClinVar variation 5004773 (VCV005004773.1).
Genomic context (GRCh38, chr11:17,410,568, plus strand): 5'-CCCCTCACCCAGTCTGCATGGGGCAGGTACTGTAGCTTGTGGGTCACTAAGACCACTGTC[C>T]TCTTGTCGTCCCGGAGCAGCTCAAGGATGCCGGCCTGCATTAAGTGGTCACTCAGATGGA-3'
Protein context (NP_000343.2, residues 871-891): GILELLRDDK[Arg881Lys]TVVLVTHKLQ